The following is an entry in ClinVar:

ClinVar aggregate classification (germline): Uncertain significance. Review status: criteria provided, multiple submitters, no conflicts (2 of 4 stars). 2 submissions from 2 submitters: Uncertain significance (2). Last evaluated 2025-08-18.

Conditions:
DICER1-related tumor predisposition. Also called: DICER1-related pleuropulmonary blastoma cancer predisposition syndrome; DICER1 syndrome. Identifiers: Orphanet 284343, MedGen C3839822, MONDO:0100216.
Hereditary cancer-predisposing syndrome. Also called: Tumor predisposition; Neoplastic Syndromes, Hereditary; Hereditary Cancer Syndrome; Hereditary neoplastic syndrome. Identifiers: Orphanet 140162, MedGen C0027672, MeSH D009386, MONDO:0015356.

Submissions (2):

Labcorp Genetics (formerly Invitae), Labcorp
Classification: Uncertain significance for DICER1-related tumor predisposition. Last evaluated: 2025-08-18. Review status: criteria provided, single submitter. Criteria: Invitae Variant Classification Sherloc (09022015). Collection method: clinical testing. Allele origin: germline.
Comment: This sequence change replaces aspartic acid, which is acidic and polar, with valine, which is neutral and non-polar, at codon 1875 of the DICER1 protein (p.Asp1875Val). This variant is not present in population databases (gnomAD no frequency). This variant has not been reported in the literature in individuals affected with DICER1-related conditions. ClinVar contains an entry for this variant (Variation ID: 2586420). Invitae Evidence Modeling of protein sequence and biophysical properties (such as structural, functional, and spatial information, amino acid conservation, physicochemical variation, residue mobility, and thermodynamic stability) has been performed for this missense variant. However, the output from this modeling did not meet the statistical confidence thresholds required to predict the impact of this variant on DICER1 protein function. In summary, the available evidence is currently insufficient to determine the role of this variant in disease. Therefore, it has been classified as a Variant of Uncertain Significance.

Ambry Genetics
Classification: Uncertain significance for Hereditary cancer-predisposing syndrome. Last evaluated: 2023-08-22. Review status: criteria provided, single submitter. Criteria: Ambry Variant Classification Scheme 2023. Collection method: clinical testing. Allele origin: germline.
Comment: The p.D1875V variant (also known as c.5624A>T), located in coding exon 26 of the DICER1 gene, results from an A to T substitution at nucleotide position 5624. The aspartic acid at codon 1875 is replaced by valine, an amino acid with highly dissimilar properties. This amino acid position is highly conserved in available vertebrate species. In addition, the in silico prediction for this alteration is inconclusive. Since supporting evidence is limited at this time, the clinical significance of this alteration remains unclear.

NM_177438.3(DICER1):c.5624A>T (p.Asp1875Val)

Gene: DICER1 (dicer 1, ribonuclease III; minus strand). Cytogenetic location: 14q32.13.
Variant type: single nucleotide variant.
Coding change: c.5624A>T on transcript NM_177438.3 (MANE Select); coding-DNA position 5624, A replaced by T.
Protein change: p.Asp1875Val; replaces aspartic acid 1875 with valine.
Molecular consequence: missense variant. On other transcripts: non-coding transcript variant (6).
Genome position (GRCh38, 1-based): chr14:95,090,643, T>A on the plus strand (A>T on the coding strand, the complement: DICER1 is on the minus strand). VCF-style: chr14-95090643-T-A. GRCh37 (hg19) VCF-style: chr14-95556980-T-A.
Other names: c.5461A>T, p.Thr1821Ser (NM_001195573.1); c.5624A>T, p.Asp1875Val (NM_001271282.3, NM_001291628.2, NM_001395677.1 and 8 more transcripts); c.5342A>T, p.Asp1781Val (NM_001395686.1); c.5219A>T, p.Asp1740Val (NM_001395687.1, NM_001395688.1, NM_001395689.1 and 1 more transcripts); c.5057A>T, p.Asp1686Val (NM_001395691.1); c.3941A>T, p.Asp1314Val (NM_001395697.1); short protein forms D1314V, D1686V, D1740V, D1781V, D1875V, T1821S.
Identifiers: ClinVar variation 2586420 (VCV002586420.5), dbSNP rs2542391937, ClinGen allele CA390863692.
Genomic context (GRCh38, chr14:95,090,643, plus strand): 5'-CGACCAACACCTTTAAATTTCCCCTTTCCTACTACTTCCACAGTGACTCTGACCTTCCCG[T>A]CGTAAGTTCTCTCAGCCGGGCTGTAAAAAATCCAAACAGCTTGAATTAGAAGTCAGAAGT-3'
Protein context (NP_803187.1, residues 1865-1885): AKFSPAERTY[Asp1875Val]GKVRVTVEVV